The following is an entry in ClinVar:

ClinVar aggregate classification (germline): Uncertain significance (1 of 4 stars; one submission).

Allele frequency attached by ClinVar (database versions not stated): gnomAD exomes below 0.00001.
gnomAD v4.1: 1 of 1,604,308 alleles (0.000062%); highest among the groups gnomAD compares: Non-Finnish European, 0.000085%; no homozygotes.

Submission:

Labcorp Genetics (formerly Invitae), Labcorp
Classification: Uncertain significance. Last evaluated: 2022-03-04. Review status: criteria provided, single submitter. Criteria: Invitae Variant Classification Sherloc (09022015). Collection method: clinical testing. Allele origin: germline.
Comment: This sequence change replaces alanine, which is neutral and non-polar, with serine, which is neutral and polar, at codon 675 of the PRPF6 protein (p.Ala675Ser). The frequency data for this variant in the population databases is considered unreliable, as metrics indicate poor data quality at this position in the gnomAD database. This variant has not been reported in the literature in individuals affected with PRPF6-related conditions. Algorithms developed to predict the effect of missense changes on protein structure and function are either unavailable or do not agree on the potential impact of this missense change (SIFT: "Tolerated"; PolyPhen-2: "Possibly Damaging"; Align-GVGD: "Class C0"). In summary, the available evidence is currently insufficient to determine the role of this variant in disease. Therefore, it has been classified as a Variant of Uncertain Significance.

NM_012469.4(PRPF6):c.2023G>T (p.Ala675Ser)

Gene: PRPF6 (pre-mRNA processing factor 6; plus strand). Cytogenetic location: 20q13.33.
Variant type: single nucleotide variant.
Coding change: c.2023G>T on transcript NM_012469.4 (MANE Select); coding-DNA position 2023, G replaced by T.
Protein change: p.Ala675Ser; replaces alanine 675 with serine.
Molecular consequence: missense variant.
Genome position (GRCh38, 1-based): chr20:64,026,053, G>T. VCF-style: chr20-64026053-G-T. GRCh37 (hg19) VCF-style: chr20-62657406-G-T.
Other names: short protein forms A675S.
Identifiers: ClinVar variation 1363599 (VCV001363599.8), dbSNP rs1339967897, ClinGen allele CA409738096.